The following is an entry in ClinVar:

NM_002880.4(RAF1):c.991-11A>G

Gene: RAF1 (Raf-1 proto-oncogene, serine/threonine kinase; minus strand). Cytogenetic location: 3p25.2.
Variant type: single nucleotide variant.
Coding change: c.991-11A>G on transcript NM_002880.4 (MANE Select); 11 bases into the intron before coding-DNA position 991, A replaced by G.
Molecular consequence: intron variant.
Genome position (GRCh38, 1-based): chr3:12,599,819, T>C on the plus strand (A>G on the coding strand, the complement: RAF1 is on the minus strand). VCF-style: chr3-12599819-T-C. GRCh37 (hg19) VCF-style: chr3-12641318-T-C.
Other names: c.649-11A>G (NM_001354695.3); c.748-11A>G (NM_001354692.3, NM_001354691.3); c.808-11A>G (NM_001354694.3); c.892-11A>G (NM_001354693.3); c.1051-11A>G (NM_001354689.3); c.991-11A>G (NM_001354690.3).
Identifiers: ClinVar variation 387955 (VCV000387955.4), dbSNP rs1057522961, ClinGen allele CA16604452.

ClinVar aggregate classification (germline): Likely benign. Review status: criteria provided, multiple submitters, no conflicts (2 of 4 stars). 2 submissions from 2 submitters: Likely benign (2). Last evaluated 2023-10-03.

Conditions:
RASopathy. Also called: Noonan spectrum disorder; rasopathies. Identifiers: Orphanet 536391, MedGen C5555857, MONDO:0021060.

Allele frequency attached by ClinVar (database versions not stated): gnomAD exomes below 0.00001 and 0.00001.
gnomAD v4.1: 7 of 1,584,036 alleles (0.00044%); highest among the groups gnomAD compares: East Asian, 0.0022%; no homozygotes.

Submissions (2):

Labcorp Genetics (formerly Invitae), Labcorp
Classification: Likely benign for RASopathy. Last evaluated: 2023-10-03. Review status: criteria provided, single submitter. Criteria: Invitae Variant Classification Sherloc (09022015). Collection method: clinical testing. Allele origin: germline.

GeneDx
Classification: Likely benign. Last evaluated: 2016-07-25. Review status: criteria provided, single submitter. Criteria: GeneDx Variant Classification (06012015). Collection method: clinical testing. Allele origin: germline. Affected: yes.
Comment: This variant is considered likely benign or benign based on one or more of the following criteria: it is a conservative change, it occurs at a poorly conserved position in the protein, it is predicted to be benign by multiple in silico algorithms, and/or has population frequency not consistent with disease.